The following is an entry in ClinVar:

ClinVar aggregate classification (germline): Likely benign. Review status: criteria provided, multiple submitters, no conflicts (2 of 4 stars). 4 submissions from 4 submitters: Likely benign (3). 1 of the submissions does not count toward it. Last evaluated 2025-12-25.

Conditions:
NUP93-related disorder. Also called: NUP93-related condition.
Inborn genetic diseases. Identifiers: MedGen C0950123, MeSH D030342.

Allele frequency attached by ClinVar (database versions not stated): gnomAD exomes 0.00013 and 0.00034; ExAC 0.00041; 1000 Genomes Project 0.00080; 1000 Genomes Project 30x 0.00109; gnomAD 0.00131 and 0.00144; TOPMed 0.00148; ESP Exome Variant Server 0.00185.
gnomAD v4.1: 395 of 1,613,650 alleles (0.024%); highest among the groups gnomAD compares: African/African-American, 0.47%; no homozygotes.

Submissions (4):

Labcorp Genetics (formerly Invitae), Labcorp
Classification: Likely benign. Last evaluated: 2025-12-25. Review status: criteria provided, single submitter. Criteria: Invitae Variant Classification Sherloc (09022015). Collection method: clinical testing. Allele origin: germline.

Ambry Genetics
Classification: Likely benign for Inborn genetic diseases. Last evaluated: 2025-03-07. Review status: criteria provided, single submitter. Criteria: Ambry Variant Classification Scheme 2023. Collection method: clinical testing. Allele origin: germline.

Blueprint Genetics
Classification: Likely benign. Last evaluated: 2024-04-11. Review status: criteria provided, single submitter. Criteria: ACMG Guidelines, 2015. Collection method: clinical testing. Allele origin: germline.

PreventionGenetics, part of Exact Sciences
Classification: Benign for NUP93-related condition. Last evaluated: 2022-05-27. Review status: no assertion criteria provided. Collection method: clinical testing. Allele origin: germline. Not counted in ClinVar's aggregate classification.
Comment: This variant is classified as benign based on ACMG/AMP sequence variant interpretation guidelines (Richards et al. 2015 PMID: 25741868, with internal and published modifications).

NM_014669.5(NUP93):c.790C>G (p.Gln264Glu)

Gene: NUP93 (nucleoporin 93; plus strand). Cytogenetic location: 16q13.
Variant type: single nucleotide variant.
Coding change: c.790C>G on transcript NM_014669.5 (MANE Select); coding-DNA position 790, C replaced by G.
Protein change: p.Gln264Glu; replaces glutamine 264 with glutamic acid.
Molecular consequence: missense variant.
Genome position (GRCh38, 1-based): chr16:56,823,842, C>G. VCF-style: chr16-56823842-C-G. GRCh37 (hg19) VCF-style: chr16-56857754-C-G.
Other names: c.421C>G, p.Gln141Glu (NM_001242795.2, NM_001242796.2); short protein forms Q264E, Q141E.
Identifiers: ClinVar variation 749780 (VCV000749780.11), dbSNP rs140028495, ClinGen allele CA8068220.